The following is an entry in ClinVar:

NM_001958.5(EEF1A2):c.1241G>A (p.Ser414Asn)

Gene: EEF1A2 (eukaryotic translation elongation factor 1 alpha 2; minus strand). Cytogenetic location: 20q13.33.
Variant type: single nucleotide variant.
Coding change: c.1241G>A on transcript NM_001958.5 (MANE Select); coding-DNA position 1241, G replaced by A.
Protein change: p.Ser414Asn; replaces serine 414 with asparagine.
Molecular consequence: missense variant.
Genome position (GRCh38, 1-based): chr20:63,488,941, C>T on the plus strand (G>A on the coding strand, the complement: EEF1A2 is on the minus strand). VCF-style: chr20-63488941-C-T. GRCh37 (hg19) VCF-style: chr20-62120294-C-T.
Other names: short protein forms S414N.
Identifiers: ClinVar variation 4755683 (VCV004755683.1).

ClinVar aggregate classification (germline): Uncertain significance (1 of 4 stars; one submission).

Submission:

GeneDx
Classification: Uncertain significance. Last evaluated: 2025-08-08. Review status: criteria provided, single submitter. Criteria: GeneDx Variant Classification Process June 2021. Collection method: clinical testing. Allele origin: germline. Affected: yes.
Comment: Not observed at significant frequency in large population cohorts (gnomAD); In silico analysis suggests that this missense variant does not alter protein structure/function; Has not been previously published as pathogenic or benign to our knowledge